The following is an entry in ClinVar:

NM_001005273.3(CHD3):c.1565T>C (p.Val522Ala)

Gene: CHD3 (chromodomain helicase DNA binding protein 3; plus strand). Cytogenetic location: 17p13.1.
Variant type: single nucleotide variant.
Coding change: c.1565T>C on transcript NM_001005273.3 (MANE Select); coding-DNA position 1565, T replaced by C.
Protein change: p.Val522Ala; replaces valine 522 with alanine.
Molecular consequence: missense variant.
Genome position (GRCh38, 1-based): chr17:7,895,400, T>C. VCF-style: chr17-7895400-T-C. GRCh37 (hg19) VCF-style: chr17-7798718-T-C.
Other names: c.1742T>C, p.Val581Ala (NM_001005271.3); c.1565T>C, p.Val522Ala (NM_005852.4); short protein forms V522A, V581A.
Identifiers: ClinVar variation 3372595 (VCV003372595.1).

ClinVar aggregate classification (germline): Uncertain significance (1 of 4 stars; one submission).

Submission:

GeneDx
Classification: Uncertain significance. Last evaluated: 2024-04-15. Review status: criteria provided, single submitter. Criteria: GeneDx Variant Classification Process June 2021. Collection method: clinical testing. Allele origin: germline. Affected: yes.
Comment: Not observed at significant frequency in large population cohorts (gnomAD); In silico analysis indicates that this missense variant does not alter protein structure/function; Has not been previously published as pathogenic or benign to our knowledge